The following is an entry in ClinVar:

NM_001271938.2(MEGF8):c.6359G>C (p.Gly2120Ala)

Gene: MEGF8 (multiple EGF like domains 8; plus strand). Cytogenetic location: 19q13.2.
Variant type: single nucleotide variant.
Coding change: c.6359G>C on transcript NM_001271938.2 (MANE Select); coding-DNA position 6359, G replaced by C.
Protein change: p.Gly2120Ala; replaces glycine 2120 with alanine.
Molecular consequence: missense variant.
Genome position (GRCh38, 1-based): chr19:42,368,540, G>C. VCF-style: chr19-42368540-G-C. GRCh37 (hg19) VCF-style: chr19-42872692-G-C.
Other names: c.6158G>C, p.Gly2053Ala (NM_001410.3); short protein forms G2053A, G2120A.
Identifiers: ClinVar variation 2505756 (VCV002505756.1), dbSNP rs546522308, ClinGen allele CA9475844.
Genomic context (GRCh38, chr19:42,368,540, plus strand): 5'-TGCGATGTATGGCCGGAGGCTGTGGGCGGCTGCTCCGGGGACCTGAGAGCTGCTCCCTGG[G>C]CTGTGCTCAGGCAACTCAGTGCGCCTTGTGCCTGCGGCGCCCCCATTGCGGCTGGTGTGC-3'
Protein context (NP_001258867.1, residues 2110-2130): LLRGPESCSL[Gly2120Ala]CAQATQCALC

ClinVar aggregate classification (germline): Uncertain significance (1 of 4 stars; one submission).

Allele frequency attached by ClinVar (database versions not stated): TOPMed 0.00002; gnomAD 0.00009; ExAC 0.00032; 1000 Genomes Project 0.00060; 1000 Genomes Project 30x 0.00062.

Submission:

GeneDx
Classification: Uncertain significance. Last evaluated: 2022-12-13. Review status: criteria provided, single submitter. Criteria: GeneDx Variant Classification Process June 2021. Collection method: clinical testing. Allele origin: germline. Affected: yes.
Comment: In silico analysis supports that this missense variant does not alter protein structure/function; Has not been previously published as pathogenic or benign to our knowledge